The following is an entry in ClinVar:

ClinVar aggregate classification (germline): Uncertain significance (1 of 4 stars; one submission).

Submission:

Labcorp Genetics (formerly Invitae), Labcorp
Classification: Uncertain significance. Last evaluated: 2023-01-22. Review status: criteria provided, single submitter. Criteria: Invitae Variant Classification Sherloc (09022015). Collection method: clinical testing. Allele origin: germline.
Comment: In summary, the available evidence is currently insufficient to determine the role of this variant in disease. Therefore, it has been classified as a Variant of Uncertain Significance. Advanced modeling of protein sequence and biophysical properties (such as structural, functional, and spatial information, amino acid conservation, physicochemical variation, residue mobility, and thermodynamic stability) performed at Invitae indicates that this missense variant is not expected to disrupt ROR1 protein function. This variant has not been reported in the literature in individuals affected with ROR1-related conditions. This variant is not present in population databases (gnomAD no frequency). This sequence change replaces isoleucine, which is neutral and non-polar, with valine, which is neutral and non-polar, at codon 599 of the ROR1 protein (p.Ile599Val).

NM_005012.4(ROR1):c.1795A>G (p.Ile599Val)

Gene: ROR1 (receptor tyrosine kinase like orphan receptor 1; plus strand). Cytogenetic location: 1p31.3.
Variant type: single nucleotide variant.
Coding change: c.1795A>G on transcript NM_005012.4 (MANE Select); coding-DNA position 1795, A replaced by G.
Protein change: p.Ile599Val; replaces isoleucine 599 with valine.
Molecular consequence: missense variant.
Genome position (GRCh38, 1-based): chr1:64,177,836, A>G. VCF-style: chr1-64177836-A-G. GRCh37 (hg19) VCF-style: chr1-64643519-A-G.
Other names: short protein forms I599V.
Identifiers: ClinVar variation 2111170 (VCV002111170.4), dbSNP rs2522933649, ClinGen allele CA340643308.
Genomic context (GRCh38, chr1:64,177,836, plus strand): 5'-GAAGATGGGACTGTGAAATCCAGCCTGGACCACGGAGATTTTCTGCACATTGCAATTCAG[A>G]TTGCAGCTGGCATGGAATACCTGTCTAGTCACTTCTTTGTCCACAAGGACCTTGCAGCTC-3'
Protein context (NP_005003.2, residues 589-609): HGDFLHIAIQ[Ile599Val]AAGMEYLSSH